The following is an entry in ClinVar:

ClinVar aggregate classification (germline): Uncertain significance. Review status: criteria provided, multiple submitters, no conflicts (2 of 4 stars). 4 submissions from 4 submitters: Uncertain significance (4). Last evaluated 2025-05-21.

Conditions:
Inborn genetic diseases. Identifiers: MedGen C0950123, MeSH D030342.

Allele frequency attached by ClinVar (database versions not stated): ESP Exome Variant Server 0.00008; 1000 Genomes Project 30x 0.00016; 1000 Genomes Project 0.00020.
gnomAD v4.1: 98 of 1,614,080 alleles (0.0061%); highest among the groups gnomAD compares: Middle Eastern, 0.033%; no homozygotes.

Submissions (4):

Mayo Clinic Laboratories, Mayo Clinic
Classification: Uncertain significance. Last evaluated: 2025-05-21. Review status: criteria provided, single submitter. Criteria: ACMG Guidelines, 2015. Collection method: clinical testing. Allele origin: germline. Observed: 1 variant allele.

Ambry Genetics
Classification: Uncertain significance for Inborn genetic diseases. Last evaluated: 2024-07-27. Review status: criteria provided, single submitter. Criteria: Ambry Variant Classification Scheme 2023. Collection method: clinical testing. Allele origin: germline.

Labcorp Genetics (formerly Invitae), Labcorp
Classification: Uncertain significance. Last evaluated: 2022-08-29. Review status: criteria provided, single submitter. Criteria: Invitae Variant Classification Sherloc (09022015). Collection method: clinical testing. Allele origin: germline.
Comment: This sequence change replaces glycine, which is neutral and non-polar, with arginine, which is basic and polar, at codon 161 of the CRLF1 protein (p.Gly161Arg). This variant is present in population databases (rs141162071, gnomAD 0.03%). This variant has not been reported in the literature in individuals affected with CRLF1-related conditions. Algorithms developed to predict the effect of missense changes on protein structure and function (SIFT, PolyPhen-2, Align-GVGD) all suggest that this variant is likely to be disruptive. In summary, the available evidence is currently insufficient to determine the role of this variant in disease. Therefore, it has been classified as a Variant of Uncertain Significance.

Blueprint Genetics
Classification: Uncertain significance. Last evaluated: 2021-08-09. Review status: criteria provided, single submitter. Criteria: ACMG Guidelines, 2015. Collection method: clinical testing. Allele origin: germline.

NM_004750.5(CRLF1):c.481G>A (p.Gly161Arg)

Gene: CRLF1 (cytokine receptor like factor 1; minus strand). Cytogenetic location: 19p13.11.
Variant type: single nucleotide variant.
Coding change: c.481G>A on transcript NM_004750.5 (MANE Select); coding-DNA position 481, G replaced by A.
Protein change: p.Gly161Arg; replaces glycine 161 with arginine.
Molecular consequence: missense variant.
Genome position (GRCh38, 1-based): chr19:18,598,818, C>T on the plus strand (G>A on the coding strand, the complement: CRLF1 is on the minus strand). VCF-style: chr19-18598818-C-T. GRCh37 (hg19) VCF-style: chr19-18709628-C-T.
Other names: p.Gly161Arg; c.481G>A (NM_004750.4); short protein forms G161R.
Identifiers: ClinVar variation 2185891 (VCV002185891.4), dbSNP rs141162071, ClinGen allele CA9314232.